The following is an entry in ClinVar:

NM_030948.6(PHACTR1):c.664+2241G>T

Gene: PHACTR1 (phosphatase and actin regulator 1; plus strand). Cytogenetic location: 6p24.1.
Variant type: single nucleotide variant.
Coding change: c.664+2241G>T on transcript NM_030948.6 (MANE Select); 2241 bases into the intron after coding-DNA position 664, G replaced by T.
Molecular consequence: intron variant. On other transcripts: missense variant (4).
Genome position (GRCh38, 1-based): chr6:13,184,927, G>T. VCF-style: chr6-13184927-G-T. GRCh37 (hg19) VCF-style: chr6-13185159-G-T.
Other names: c.793G>T, p.Val265Leu (NM_001322310.2, NM_001374582.1); c.517G>T, p.Val173Leu (NM_001322313.2); c.796G>T, p.Val266Leu (NM_001322314.4); c.664+2241G>T (NM_001242648.4, NM_001374581.2, NM_001322308.3 and 1 more transcripts); c.388+2241G>T (NM_001322312.3, NM_001322311.2, NM_001374583.2); short protein forms V173L, V265L, V266L.
Identifiers: ClinVar variation 3055638 (VCV003055638.3), dbSNP rs78929850, ClinGen allele CA3639121.
Genomic context (GRCh38, chr6:13,184,927, plus strand): 5'-GTCCTGCTACTGCCCCCCAAAAAACCTGCTGCTTTCCCTGGAGACCATGAAGAGACCCCA[G>T]TGAAGCAGCTGCCCCTTCTCAAGCAGCCCCCGGCCCTGCCTCCCAAACCCACTACCAGGA-3'

ClinVar aggregate classification (germline): Likely benign. Review status: criteria provided, single submitter (1 of 4 stars). 2 submissions from 2 submitters: Likely benign (1). 1 of the submissions does not count toward it. Last evaluated 2024-10-25.

Conditions:
PHACTR1-related disorder. Also called: PHACTR1-related condition.

Allele frequency attached by ClinVar (database versions not stated): gnomAD 0.00084; TOPMed 0.00122; ExAC 0.00183; 1000 Genomes Project 30x 0.00453; 1000 Genomes Project 0.00519.
gnomAD v4.1: 590 of 1,366,578 alleles (0.043%); highest among the groups gnomAD compares: East Asian, 2.2%; 4 homozygotes.

Submissions (2):

Blueprint Genetics
Classification: Likely benign. Last evaluated: 2024-10-25. Review status: criteria provided, single submitter. Criteria: ACMG Guidelines, 2015. Collection method: clinical testing. Allele origin: germline.

PreventionGenetics, part of Exact Sciences
Classification: Benign for PHACTR1-related condition. Last evaluated: 2019-08-09. Review status: no assertion criteria provided. Collection method: clinical testing. Allele origin: germline. Not counted in ClinVar's aggregate classification.
Comment: This variant is classified as benign based on ACMG/AMP sequence variant interpretation guidelines (Richards et al. 2015 PMID: 25741868, with internal and published modifications).